The following is an entry in ClinVar:

NM_032813.5(TMTC4):c.969G>A (p.Pro323=)

Gene: TMTC4 (transmembrane O-mannosyltransferase targeting cadherins 4; minus strand). Cytogenetic location: 13q32.3.
Variant type: single nucleotide variant.
Coding change: c.969G>A on transcript NM_032813.5 (MANE Select); coding-DNA position 969, G replaced by A.
Protein change: p.Pro323=; no amino-acid change (proline 323 retained).
Molecular consequence: synonymous variant. On other transcripts: non-coding transcript variant (1).
Genome position (GRCh38, 1-based): chr13:100,637,568, C>T on the plus strand (G>A on the coding strand, the complement: TMTC4 is on the minus strand). VCF-style: chr13-100637568-C-T. GRCh37 (hg19) VCF-style: chr13-101289822-C-T.
Other names: c.912G>A, p.Pro304= (NM_001079669.4, NM_001350572.2, NM_001350577.2); c.579G>A, p.Pro193= (NM_001286453.3); c.1143G>A, p.Pro381= (NM_001350571.2); c.1086G>A, p.Pro362= (NM_001350574.2); c.969G>A, p.Pro323= (NM_001350576.2).
Identifiers: ClinVar variation 2643895 (VCV002643895.24), dbSNP rs549593733, ClinGen allele CA7034486.
Genomic context (GRCh38, chr13:100,637,568, plus strand): 5'-AGTCCAGGGGGCGGCAGGCTCAGAACTCACCCTCACCAGCATGCTGTCAGCAAAGGAGGC[C>T]GGGTTGTCCACCTCGGTGAAGGCCGGCGGGCCCGTGCCCATGATCCTCCAGCGCACGTAG-3'
Protein context (NP_116202.2, residues 313-333): GPPAFTEVDN[Pro323=]ASFADSMLVR

ClinVar aggregate classification (germline): Likely benign (1 of 4 stars; one submission).

Allele frequency attached by ClinVar (database versions not stated): TOPMed 0.00002; ExAC 0.00005; gnomAD 0.00005; 1000 Genomes Project 30x 0.00016; 1000 Genomes Project 0.00020.
gnomAD v4.1: 27 of 1,614,028 alleles (0.0017%); highest among the groups gnomAD compares: East Asian, 0.016%; no homozygotes.

Submission:

CeGaT Center for Human Genetics Tuebingen
Classification: Likely benign. Last evaluated: 2022-06-01. Review status: criteria provided, single submitter. Criteria: CeGaT Center For Human Genetics Tuebingen Variant Classification Criteria Version 2. Collection method: clinical testing. Allele origin: germline. Affected: yes. Observed: 1 variant allele.
Comment: TMTC4: BP4, BP7